The following is an entry in ClinVar:

ClinVar aggregate classification (germline): Uncertain significance (1 of 4 stars; one submission).

gnomAD v4.1: 4 of 1,613,806 alleles (0.00025%); highest among the groups gnomAD compares: Non-Finnish European, 0.00034%; no homozygotes.

Submission:

Labcorp Genetics (formerly Invitae), Labcorp
Classification: Uncertain significance. Last evaluated: 2024-07-16. Review status: criteria provided, single submitter. Criteria: Invitae Variant Classification Sherloc (09022015). Collection method: clinical testing. Allele origin: germline.
Comment: This sequence change replaces proline, which is neutral and non-polar, with serine, which is neutral and polar, at codon 1297 of the ERBB4 protein (p.Pro1297Ser). This variant is not present in population databases (gnomAD no frequency). This variant has not been reported in the literature in individuals affected with ERBB4-related conditions. An algorithm developed to predict the effect of missense changes on protein structure and function (PolyPhen-2) suggests that this variant is likely to be disruptive. In summary, the available evidence is currently insufficient to determine the role of this variant in disease. Therefore, it has been classified as a Variant of Uncertain Significance.

NM_005235.3(ERBB4):c.3889C>T (p.Pro1297Ser)

Gene: ERBB4 (erb-b2 receptor tyrosine kinase 4; minus strand). Cytogenetic location: 2q34.
Variant type: single nucleotide variant.
Coding change: c.3889C>T on transcript NM_005235.3 (MANE Select); coding-DNA position 3889, C replaced by T.
Protein change: p.Pro1297Ser; replaces proline 1297 with serine.
Molecular consequence: missense variant.
Genome position (GRCh38, 1-based): chr2:211,383,653, G>A on the plus strand (C>T on the coding strand, the complement: ERBB4 is on the minus strand). VCF-style: chr2-211383653-G-A. GRCh37 (hg19) VCF-style: chr2-212248378-G-A.
Other names: c.3841C>T, p.Pro1281Ser (NM_001042599.2); short protein forms P1281S, P1297S.
Identifiers: ClinVar variation 3659652 (VCV003659652.2).